The following is an entry in ClinVar:

NM_000440.3(PDE6A):c.1225G>A (p.Gly409Arg)

Gene: PDE6A (phosphodiesterase 6A; minus strand). Cytogenetic location: 5q32.
Variant type: single nucleotide variant.
Coding change: c.1225G>A on transcript NM_000440.3 (MANE Select); coding-DNA position 1225, G replaced by A.
Protein change: p.Gly409Arg; replaces glycine 409 with arginine.
Molecular consequence: missense variant.
Genome position (GRCh38, 1-based): chr5:149,899,413, C>T on the plus strand (G>A on the coding strand, the complement: PDE6A is on the minus strand). VCF-style: chr5-149899413-C-T. GRCh37 (hg19) VCF-style: chr5-149278976-C-T.
Other names: c.982G>A, p.Gly328Arg (NM_001410788.1); short protein forms G328R, G409R.
Identifiers: ClinVar variation 1716762 (VCV001716762.5), dbSNP rs2480578091, ClinGen allele CA361696773.

ClinVar aggregate classification (germline): Uncertain significance (1 of 4 stars; one submission).

Submission:

Labcorp Genetics (formerly Invitae), Labcorp
Classification: Uncertain significance. Last evaluated: 2022-08-19. Review status: criteria provided, single submitter. Criteria: Invitae Variant Classification Sherloc (09022015). Collection method: clinical testing. Allele origin: germline.
Comment: This sequence change replaces glycine, which is neutral and non-polar, with arginine, which is basic and polar, at codon 409 of the PDE6A protein (p.Gly409Arg). This variant is not present in population databases (gnomAD no frequency). This variant has not been reported in the literature in individuals affected with PDE6A-related conditions. Algorithms developed to predict the effect of missense changes on protein structure and function (SIFT, PolyPhen-2, Align-GVGD) all suggest that this variant is likely to be disruptive. In summary, the available evidence is currently insufficient to determine the role of this variant in disease. Therefore, it has been classified as a Variant of Uncertain Significance.